The following is an entry in ClinVar:

NM_001303052.2(MYT1L):c.1037C>T (p.Pro346Leu)

Gene: MYT1L (myelin transcription factor 1 like; minus strand). Cytogenetic location: 2p25.3.
Variant type: single nucleotide variant.
Coding change: c.1037C>T on transcript NM_001303052.2 (MANE Select); coding-DNA position 1037, C replaced by T.
Protein change: p.Pro346Leu; replaces proline 346 with leucine.
Molecular consequence: missense variant.
Genome position (GRCh38, 1-based): chr2:1,922,732, G>A on the plus strand (C>T on the coding strand, the complement: MYT1L is on the minus strand). VCF-style: chr2-1922732-G-A. GRCh37 (hg19) VCF-style: chr2-1926504-G-A.
Other names: c.1037C>T, p.Pro346Leu (NM_001329844.2, NM_001329845.1, NM_001329846.3 and 6 more transcripts); short protein forms P346L.
Identifiers: ClinVar variation 3252790 (VCV003252790.1), dbSNP rs1251285717.

ClinVar aggregate classification (germline): Uncertain significance (1 of 4 stars; one submission).

Allele frequency attached by ClinVar (database versions not stated): gnomAD exomes below 0.00001.
gnomAD v4.1: 1 of 1,613,858 alleles (0.000062%); highest among the groups gnomAD compares: Non-Finnish European, 0.000085%; no homozygotes.

Submission:

GeneDx
Classification: Uncertain significance. Last evaluated: 2024-05-10. Review status: criteria provided, single submitter. Criteria: GeneDx Variant Classification Process June 2021. Collection method: clinical testing. Allele origin: germline. Affected: yes.
Comment: Not observed at significant frequency in large population cohorts (gnomAD); In silico analysis indicates that this missense variant does not alter protein structure/function; Has not been previously published as pathogenic or benign to our knowledge